The following is an entry in ClinVar:

ClinVar aggregate classification (germline): Uncertain significance. Review status: criteria provided, multiple submitters, no conflicts (2 of 4 stars). 3 submissions from 3 submitters: Uncertain significance (3). Last evaluated 2026-06-22.

Conditions:
TRIM32-related disorder. Also called: TRIM32-related condition.
Bardet-Biedl syndrome (BBS). Identifiers: Orphanet 110, MedGen C0752166, MONDO:0015229.

Allele frequency attached by ClinVar (database versions not stated): TOPMed below 0.00001.

Submissions (3):

PreventionGenetics, part of Exact Sciences
Classification: Uncertain significance for TRIM32-related condition. Last evaluated: 2026-06-22. Review status: criteria provided, single submitter. Criteria: ACMG Guidelines, 2015. Collection method: clinical testing. Allele origin: germline.
Comment: The TRIM32 c.1655T>G variant is predicted to result in the amino acid substitution p.Ile552Ser. To our knowledge, this variant has not been reported in the literature or in a large population database (gnomAD), indicating this variant is rare. At this time, the clinical significance of this variant is uncertain due to the absence of conclusive functional and genetic evidence.

Labcorp Genetics (formerly Invitae), Labcorp
Classification: Uncertain significance for Bardet-Biedl syndrome. Last evaluated: 2024-08-01. Review status: criteria provided, single submitter. Criteria: Invitae Variant Classification Sherloc (09022015). Collection method: clinical testing. Allele origin: germline.
Comment: This sequence change replaces isoleucine, which is neutral and non-polar, with serine, which is neutral and polar, at codon 552 of the TRIM32 protein (p.Ile552Ser). This variant is not present in population databases (gnomAD no frequency). This variant has not been reported in the literature in individuals affected with TRIM32-related conditions. ClinVar contains an entry for this variant (Variation ID: 500626). An algorithm developed to predict the effect of missense changes on protein structure and function (PolyPhen-2) suggests that this variant is likely to be disruptive. In summary, the available evidence is currently insufficient to determine the role of this variant in disease. Therefore, it has been classified as a Variant of Uncertain Significance.

Eurofins Ntd Llc (ga)
Classification: Uncertain significance. Last evaluated: 2017-02-28. Review status: criteria provided, single submitter. Criteria: EGL Classification Definitions 2015. Collection method: clinical testing. Allele origin: germline. Observed: 1 variant allele, 1 homozygote.

NM_012210.4(TRIM32):c.1655T>G (p.Ile552Ser)

Genes: ASTN2 (astrotactin 2; minus strand), TRIM32 (tripartite motif containing 32; plus strand). Cytogenetic location: 9q33.1.
Variant type: single nucleotide variant.
Coding change: c.1655T>G on transcript NM_012210.4 (MANE Select); coding-DNA position 1655, T replaced by G.
Protein change: p.Ile552Ser; replaces isoleucine 552 with serine.
Molecular consequence: missense variant. On other transcripts: intron variant (3).
Genome position (GRCh38, 1-based): chr9:116,699,397, T>G. VCF-style: chr9-116699397-T-G. GRCh37 (hg19) VCF-style: chr9-119461676-T-G.
Other names: c.1655T>G, p.Ile552Ser (NM_001099679.2, NM_001379048.1, NM_001379049.1 and 1 more transcripts); c.2653+26374A>C (NM_014010.5); c.2794+26374A>C (NM_001365069.1); c.2806+26374A>C (NM_001365068.1); short protein forms I552S.
Identifiers: ClinVar variation 500626 (VCV000500626.8), dbSNP rs1554733205, ClinGen allele CA374652157.
Genomic context (GRCh38, chr9:116,699,397, plus strand): 5'-GCTTAGGCCTCAATCTGGAGAATCGGCAGAATGAGCACCACCTGGAGGGTGGCTTTTCCA[T>G]TGGCTCTGTAGGCCCTGATGGGCAGCTGGGTCGCCAGATTAGCCACTTCTTCTCGGAGAA-3'
Protein context (NP_036342.2, residues 542-562): NEHHLEGGFS[Ile552Ser]GSVGPDGQLG